The following is an entry in ClinVar:

ClinVar aggregate classification (germline): Likely benign. Review status: criteria provided, multiple submitters, no conflicts (2 of 4 stars). 3 submissions from 3 submitters: Likely benign (3). Last evaluated 2025-09-23.

Conditions:
Tuberous sclerosis 1 (TSC1). Identifiers: Orphanet 805, MedGen C1854465, MONDO:0008612, OMIM 191100.

Allele frequency attached by ClinVar (database versions not stated): TOPMed 0.00001; gnomAD 0.00003.
gnomAD v4.1: 9 of 1,613,666 alleles (0.00056%); highest among the groups gnomAD compares: Admixed American, 0.005%; no homozygotes.

Submissions (3):

Labcorp Genetics (formerly Invitae), Labcorp
Classification: Likely benign for Tuberous sclerosis 1. Last evaluated: 2025-09-23. Review status: criteria provided, single submitter. Criteria: Invitae Variant Classification Sherloc (09022015). Collection method: clinical testing. Allele origin: germline.

Myriad Genetics, Inc.
Classification: Likely benign for Tuberous sclerosis 1. Last evaluated: 2025-04-25. Review status: criteria provided, single submitter. Criteria: Myriad Autosomal Dominant, Autosomal Recessive and X-Linked Classification Criteria (2023). Collection method: clinical testing. Allele origin: unknown.
Comment: This variant is considered likely benign. This variant is intronic and is not expected to impact mRNA splicing.

GeneDx
Classification: Likely benign. Last evaluated: 2017-02-28. Review status: criteria provided, single submitter. Criteria: GeneDx Variant Classification (06012015). Collection method: clinical testing. Allele origin: germline. Affected: yes.
Comment: This variant is considered likely benign or benign based on one or more of the following criteria: it is a conservative change, it occurs at a poorly conserved position in the protein, it is predicted to be benign by multiple in silico algorithms, and/or has population frequency not consistent with disease.

NM_000368.5(TSC1):c.2503-15A>G

Gene: TSC1 (TSC complex subunit 1; minus strand). Cytogenetic location: 9q34.13.
Variant type: single nucleotide variant.
Coding change: c.2503-15A>G on transcript NM_000368.5 (MANE Select); 15 bases into the intron before coding-DNA position 2503, A replaced by G.
Molecular consequence: intron variant.
Genome position (GRCh38, 1-based): chr9:132,900,852, T>C on the plus strand (A>G on the coding strand, the complement: TSC1 is on the minus strand). VCF-style: chr9-132900852-T-C. GRCh37 (hg19) VCF-style: chr9-135776239-T-C.
Other names: c.2140-15A>G (NM_001362177.2); c.2350-15A>G (NM_001162427.2); c.2500-15A>G (NM_001162426.2).
Identifiers: ClinVar variation 507727 (VCV000507727.9), dbSNP rs752540347, ClinGen allele CA033065.